The following is an entry in ClinVar:

ClinVar aggregate classification (germline): Uncertain significance (1 of 4 stars; one submission).

Conditions:
Inborn genetic diseases. Identifiers: MedGen C0950123, MeSH D030342.

Submission:

Ambry Genetics
Classification: Uncertain significance for Inborn genetic diseases. Last evaluated: 2025-08-14. Review status: criteria provided, single submitter. Criteria: Ambry Variant Classification Scheme 2023. Collection method: clinical testing. Allele origin: germline.
Comment: The p.G833V variant (also known as c.2498G>T), located in coding exon 26 of the RTEL1 gene, results from a G to T substitution at nucleotide position 2498. The glycine at codon 833 is replaced by valine, an amino acid with dissimilar properties. This amino acid position is conserved. In addition, this alteration is predicted to be tolerated by in silico analysis. Based on the available evidence, the clinical significance of this variant remains unclear.

NM_001283009.2(RTEL1):c.2498G>T (p.Gly833Val)

Genes: RTEL1 (regulator of telomere elongation helicase 1; plus strand), RTEL1-TNFRSF6B (RTEL1-TNFRSF6B readthrough (NMD candidate); plus strand). Cytogenetic location: 20q13.33.
Variant type: single nucleotide variant.
Coding change: c.2498G>T on transcript NM_001283009.2 (MANE Select); coding-DNA position 2498, G replaced by T.
Protein change: p.Gly833Val; replaces glycine 833 with valine.
Molecular consequence: missense variant. On other transcripts: non-coding transcript variant (1).
Genome position (GRCh38, 1-based): chr20:63,690,889, G>T. VCF-style: chr20-63690889-G-T. GRCh37 (hg19) VCF-style: chr20-62322242-G-T.
Other names: c.1829G>T, p.Gly610Val (NM_001283010.1); c.2498G>T, p.Gly833Val (NM_016434.4); c.2570G>T, p.Gly857Val (NM_032957.5); short protein forms G857V, G610V, G833V.
Identifiers: ClinVar variation 4157668 (VCV004157668.1).